The following is an entry in ClinVar:

ClinVar aggregate classification (germline): Uncertain significance. Review status: criteria provided, single submitter (1 of 4 stars). 2 submissions from 2 submitters: Uncertain significance (1). 1 of the submissions does not count toward it. Last evaluated 2024-06-28.

Conditions:
Autosomal recessive polycystic kidney disease (ARPKD). Also called: AR polycystic kidney disease. Identifiers: Orphanet 731, Orphanet 8378, MedGen C0085548, MeSH D017044, MONDO:0009889.

Submissions (2):

Women's Health and Genetics/Laboratory Corporation of America, LabCorp
Classification: Uncertain significance. Last evaluated: 2024-06-28. Review status: criteria provided, single submitter. Criteria: LabCorp Variant Classification Summary - May 2015. Collection method: clinical testing. Allele origin: germline.
Comment: Variant summary: PKHD1 c.8775A>C (p.Glu2925Asp) results in a conservative amino acid change in the encoded protein sequence. Five of five in-silico tools predict a benign effect of the variant on protein function. The variant was absent in 251064 control chromosomes. The available data on variant occurrences in the general population are insufficient to allow any conclusion about variant significance. To our knowledge, no occurrence of c.8775A>C in individuals affected with Polycystic Kidney And Hepatic Disease and no experimental evidence demonstrating its impact on protein function have been reported. No submitters have cited clinical-significance assessments for this variant to ClinVar. Based on the evidence outlined above, the variant was classified as uncertain significance.

Natera, Inc.
Classification: Uncertain significance for Autosomal recessive polycystic kidney disease. Last evaluated: 2025-05-08. Review status: no assertion criteria provided. Collection method: clinical testing. Allele origin: germline. Not counted in ClinVar's aggregate classification.

NM_138694.4(PKHD1):c.8775A>C (p.Glu2925Asp)

Gene: PKHD1 (PKHD1 ciliary IPT domain containing fibrocystin/polyductin; minus strand). Cytogenetic location: 6p12.3.
Variant type: single nucleotide variant.
Coding change: c.8775A>C on transcript NM_138694.4 (MANE Select); coding-DNA position 8775, A replaced by C.
Protein change: p.Glu2925Asp; replaces glutamic acid 2925 with aspartic acid.
Molecular consequence: missense variant.
Genome position (GRCh38, 1-based): chr6:51,754,806, T>G on the plus strand (A>C on the coding strand, the complement: PKHD1 is on the minus strand). VCF-style: chr6-51754806-T-G. GRCh37 (hg19) VCF-style: chr6-51619604-T-G.
Other names: c.8775A>C, p.Glu2925Asp (NM_170724.3); c.8775A>C (NM_138694.3); short protein forms E2925D.
Identifiers: ClinVar variation 3339869 (VCV003339869.2).
Genomic context (GRCh38, chr6:51,754,806, plus strand): 5'-CTCATTCACTTACCTTAACCAACAAACCAAAGCCTTACCAATATGCCGGTGTTTGAGCCG[T>G]TCATAGATCCTCACATGGTGGCCCTTGACTTCTTTCACAGTGAGGACCTCTGCTTCATGA-3'
Protein context (NP_619639.3, residues 2915-2935): EVKGHHVRIY[Glu2925Asp]RLKHRHIGSV